The following is an entry in ClinVar:

ClinVar aggregate classification (germline): Likely benign. Review status: criteria provided, multiple submitters, no conflicts (2 of 4 stars). 3 submissions from 3 submitters: Likely benign (3). Last evaluated 2025-03-01.

Conditions:
Leukodystrophy, hypomyelinating, 6. Also called: Hypomyelination with Atrophy of Basal Ganglia and Cerebellum (H-ABC); LEUKODYSTROPHY, HYPOMYELINATING, WITH ATROPHY OF THE BASAL GANGLIA AND CEREBELLUM; TUBB4A-Associated Leukodystrophy. Identifiers: Orphanet 139441, MedGen C2676244, MONDO:0012905, OMIM 612438.

Allele frequency attached by ClinVar (database versions not stated): gnomAD 0.00001; gnomAD exomes 0.00001; TOPMed 0.00002.
gnomAD v4.1: 14 of 1,614,074 alleles (0.00087%); highest among the groups gnomAD compares: Middle Eastern, 0.016%; no homozygotes.

Submissions (3):

CeGaT Center for Human Genetics Tuebingen
Classification: Likely benign. Last evaluated: 2025-03-01. Review status: criteria provided, single submitter. Criteria: CeGaT Center For Human Genetics Tuebingen Variant Classification Criteria Version 2. Collection method: clinical testing. Allele origin: germline. Affected: yes. Observed: 1 variant allele.
Comment: TUBB4A: BP4, BP7

Blueprint Genetics
Classification: Likely benign. Last evaluated: 2022-11-07. Review status: criteria provided, single submitter. Criteria: ACMG Guidelines, 2015. Collection method: clinical testing. Allele origin: germline.

Labcorp Genetics (formerly Invitae), Labcorp
Classification: Likely benign for Leukodystrophy, hypomyelinating, 6. Last evaluated: 2022-09-15. Review status: criteria provided, single submitter. Criteria: Invitae Variant Classification Sherloc (09022015). Collection method: clinical testing. Allele origin: germline.

NM_006087.4(TUBB4A):c.690G>A (p.Ser230=)

Gene: TUBB4A (tubulin beta 4A class IVa; minus strand). Cytogenetic location: 19p13.3.
Variant type: single nucleotide variant.
Coding change: c.690G>A on transcript NM_006087.4 (MANE Select); coding-DNA position 690, G replaced by A.
Protein change: p.Ser230=; no amino-acid change (serine 230 retained).
Molecular consequence: synonymous variant.
Genome position (GRCh38, 1-based): chr19:6,495,809, C>T on the plus strand (G>A on the coding strand, the complement: TUBB4A is on the minus strand). VCF-style: chr19-6495809-C-T. GRCh37 (hg19) VCF-style: chr19-6495820-C-T.
Other names: c.843G>A, p.Ser281= (NM_001289123.2); c.825G>A, p.Ser275= (NM_001289127.2); c.690G>A, p.Ser230= (NM_001289129.2); c.474G>A, p.Ser158= (NM_001289130.2, NM_001289131.2).
Identifiers: ClinVar variation 1530566 (VCV001530566.23), dbSNP rs1368586638, ClinGen allele CA505189561.